The following is an entry in ClinVar:

ClinVar aggregate classification (germline): Pathogenic (1 of 4 stars; one submission).

Conditions:
Alagille syndrome due to a JAG1 point mutation. Also called: JAG1-Related Alagille Syndrome; Alagille Syndrome 1; HEPATIC DUCTULAR HYPOPLASIA, SYNDROMATIC. Identifiers: Orphanet 261619, Orphanet 52, MedGen C1956125, MONDO:0016862, OMIM 118450.

Submission:

Labcorp Genetics (formerly Invitae), Labcorp
Classification: Pathogenic for Alagille syndrome due to a JAG1 point mutation. Last evaluated: 2023-02-11. Review status: criteria provided, single submitter. Criteria: Invitae Variant Classification Sherloc (09022015). Collection method: clinical testing. Allele origin: germline.
Comment: This sequence change creates a premature translational stop signal (p.Cys491*) in the JAG1 gene. It is expected to result in an absent or disrupted protein product. Loss-of-function variants in JAG1 are known to be pathogenic (PMID: 11180599). This variant is not present in population databases (gnomAD no frequency). This variant has not been reported in the literature in individuals affected with JAG1-related conditions. For these reasons, this variant has been classified as Pathogenic.

Literature cited by the submitters: PubMed 11180599.

NM_000214.3(JAG1):c.1470_1472dup (p.Cys491Ter)

Gene: JAG1 (jagged canonical Notch ligand 1; minus strand). Cytogenetic location: 20p12.2.
Variant type: Duplication.
Coding change: c.1470_1472dup on transcript NM_000214.3 (MANE Select); coding-DNA positions 1470 to 1472, 3 bases duplicated (ATG; older notation c.1470_1472dupATG).
Protein change: p.Cys491Ter; replaces cysteine 491 with a stop codon.
Molecular consequence: nonsense.
Genome position (GRCh38, 1-based): chr20:10,648,646-10,648,648, CAT duplicated on the plus strand (ATG on the coding strand, the reverse complement: JAG1 is on the minus strand). VCF-style (leftmost placement, unchanged base first): chr20-10648645-A-ACAT. GRCh37 (hg19) VCF-style: chr20-10629293-A-ACAT.
Other names: short protein forms C491*.
Identifiers: ClinVar variation 2836388 (VCV002836388.3), dbSNP rs2514517227, ClinGen allele CA2739277058.